The following is an entry in ClinVar:

NM_001903.5(CTNNA1):c.857A>C (p.Asp286Ala)

Gene: CTNNA1 (catenin alpha 1; plus strand). Cytogenetic location: 5q31.2.
Variant type: single nucleotide variant.
Coding change: c.857A>C on transcript NM_001903.5 (MANE Select); coding-DNA position 857, A replaced by C.
Protein change: p.Asp286Ala; replaces aspartic acid 286 with alanine.
Molecular consequence: missense variant.
Genome position (GRCh38, 1-based): chr5:138,824,798, A>C. VCF-style: chr5-138824798-A-C. GRCh37 (hg19) VCF-style: chr5-138160487-A-C.
Other names: c.857A>C, p.Asp286Ala (NM_001290307.3, NM_001323982.2, NM_001323983.1 and 3 more transcripts); c.548A>C, p.Asp183Ala (NM_001290309.3); c.488A>C, p.Asp163Ala (NM_001290310.3); short protein forms D286A, D163A, D183A.
Identifiers: ClinVar variation 1763901 (VCV001763901.2), dbSNP rs2149776798, ClinGen allele CA361130347.

ClinVar aggregate classification (germline): Uncertain significance (1 of 4 stars; one submission).

Conditions:
Hereditary cancer-predisposing syndrome. Also called: Neoplastic Syndromes, Hereditary; Tumor predisposition; Hereditary Cancer Syndrome; Hereditary neoplastic syndrome. Identifiers: Orphanet 140162, MedGen C0027672, MeSH D009386, MONDO:0015356.

Submission:

Ambry Genetics
Classification: Uncertain significance for Hereditary cancer-predisposing syndrome. Last evaluated: 2022-09-18. Review status: criteria provided, single submitter. Criteria: Ambry Variant Classification Scheme 2023. Collection method: clinical testing. Allele origin: germline.
Comment: The p.D286A variant (also known as c.857A>C), located in coding exon 5 of the CTNNA1 gene, results from an A to C substitution at nucleotide position 857. The aspartic acid at codon 286 is replaced by alanine, an amino acid with dissimilar properties. This amino acid position is conserved. In addition, this alteration is predicted to be deleterious by in silico analysis. Since supporting evidence is limited at this time, the clinical significance of this alteration remains unclear.